The following is an entry in ClinVar:

ClinVar aggregate classification (germline): Pathogenic (1 of 4 stars; one submission).

Conditions:
Tuberous sclerosis 2 (TSC2). Identifiers: Orphanet 805, MedGen C1860707, MONDO:0013199, OMIM 613254.

Submission:

Labcorp Genetics (formerly Invitae), Labcorp
Classification: Pathogenic for Tuberous sclerosis 2. Last evaluated: 2025-09-02. Review status: criteria provided, single submitter. Criteria: Invitae Variant Classification Sherloc (09022015). Collection method: clinical testing. Allele origin: germline.
Comment: This sequence change creates a premature translational stop signal (p.His627Glnfs*29) in the TSC2 gene. It is expected to result in an absent or disrupted protein product. Loss-of-function variants in TSC2 are known to be pathogenic (PMID: 10205261, 17304050). This variant is not present in population databases (gnomAD no frequency). This premature translational stop signal has been observed in individual(s) with TSC2-related disease (internal data). In at least one individual the variant was observed to be de novo. ClinVar contains an entry for this variant (Variation ID: 1457068). For these reasons, this variant has been classified as Pathogenic.

Literature cited by the submitters: PubMed 10205261; PubMed 17304050.

NM_000548.5(TSC2):c.1881_1882del (p.His627fs)

Gene: TSC2 (TSC complex subunit 2; plus strand). Cytogenetic location: 16p13.3.
Variant type: Deletion.
Coding change: c.1881_1882del on transcript NM_000548.5 (MANE Select); coding-DNA positions 1881 to 1882, 2 bases deleted (CC; older notation c.1881_1882delCC).
Protein change: p.His627fs; shifts the reading frame from histidine 627.
Molecular consequence: frameshift variant.
Genome position (GRCh38, 1-based): chr16:2,071,551-2,071,552, CC deleted. VCF-style (leftmost placement, unchanged base first): chr16-2071550-ACC-A. GRCh37 (hg19) VCF-style: chr16-2121551-ACC-A.
Other names: c.1881_1882del, p.His627fs (NM_001077183.3, NM_001114382.3, NM_001363528.2 and 3 more transcripts); c.1770_1771del, p.His590fs (NM_001318827.2); c.1734_1735del, p.His578fs (NM_001318829.2); c.1281_1282del, p.His427fs (NM_001318831.2); c.1914_1915del, p.His638fs (NM_001318832.2); short protein forms H427fs, H578fs, H590fs, H638fs, H627fs.
Identifiers: ClinVar variation 1457068 (VCV001457068.6), dbSNP rs2151297228, ClinGen allele CA2573151547.